The following is an entry in ClinVar:

NM_001142864.4(PIEZO1):c.2758C>T (p.Arg920Trp)

Genes: HSALR1 (HSP90AB1 associated lncRNA 1; plus strand), PIEZO1 (piezo type mechanosensitive ion channel component 1 (Er blood group); minus strand). Cytogenetic location: 16q24.3.
Variant type: single nucleotide variant.
Coding change: c.2758C>T on transcript NM_001142864.4 (MANE Select); coding-DNA position 2758, C replaced by T.
Protein change: p.Arg920Trp; replaces arginine 920 with tryptophan.
Molecular consequence: missense variant.
Genome position (GRCh38, 1-based): chr16:88,732,639, G>A on the plus strand (C>T on the coding strand, the complement: PIEZO1 is on the minus strand). VCF-style: chr16-88732639-G-A. GRCh37 (hg19) VCF-style: chr16-88799047-G-A.
Other names: c.2758C>T (NM_001142864.3); short protein forms R920W.
Identifiers: ClinVar variation 4279744 (VCV004279744.2).

ClinVar aggregate classification (germline): Uncertain significance. Review status: criteria provided, multiple submitters, no conflicts (2 of 4 stars). 2 submissions from 2 submitters: Uncertain significance (2). Last evaluated 2025-05-27.

Conditions:
PIEZO1-related disorder. Also called: PIEZO1-related condition; PIEZO1-Related Disorders.
Lymphatic malformation 6 (LMPHM6). Also called: PIEZO1-related generalized lymphatic dysplasia with non-immune hydrops fetalis; GENERALIZED LYMPHATIC DYSPLASIA OF FOTIOU; Lymphedema, hereditary, III. Identifiers: Orphanet 568062, MedGen C4225184, MONDO:0014797, OMIM 616843.

gnomAD v4.1: 47 of 1,549,496 alleles (0.003%); highest among the groups gnomAD compares: South Asian, 0.006%; no homozygotes.

Submissions (2):

PreventionGenetics, part of Exact Sciences
Classification: Uncertain significance for PIEZO1-related condition. Last evaluated: 2025-05-27. Review status: criteria provided, single submitter. Criteria: ACMG Guidelines, 2015. Collection method: clinical testing. Allele origin: germline.
Comment: The PIEZO1 c.2758C>T variant is predicted to result in the amino acid substitution p.Arg920Trp. This variant has been reported in a cohort study with hereditary diffuse gastric cancer (Table S5, Liu et al. 2022. PubMed ID: 36484990). This variant has also been reported in a cohort study with autism (Supplementary Data 3, Zhou et al. 2022. PubMed ID: 35982159). This variant is reported in 0.0088% of alleles in individuals of South Asian descent in gnomAD. At this time, the clinical significance of this variant is uncertain due to the absence of conclusive functional and genetic evidence.

Clinical Genomics Laboratory, Washington University in St. Louis
Classification: Uncertain significance for Lymphatic malformation 6. Last evaluated: 2025-04-17. Review status: criteria provided, single submitter. Criteria: ACMG Guidelines, 2015. Collection method: clinical testing. Allele origin: germline.
Comment: A PIEZO1 c.2758C>T (p.Arg920Trp) variant was identified at a heterozygous allelic fraction of 51%, a frequency which may be consistent with germline origin. This variant, to our knowledge, has not been reported in the medical literature. It is only observed on 47/1,549,496 alleles in the general population (gnomAD v.4.1.0), indicating it is not a common variant. Computational predictors are uncertain as to the impact of this variant on PIEZO1 function. Due to limited information, and based on ACMG/AMP guidelines for variant interpretation (Richards S et al., PMID: 25741868), the clinical significance of this variant is uncertain at this time.